The following is an entry in ClinVar:

ClinVar aggregate classification (germline): Conflicting classifications of pathogenicity. Review status: criteria provided, conflicting classifications (1 of 4 stars). 3 submissions from 3 submitters: Uncertain significance (2); Likely benign (1). Last evaluated 2025-04-13.

Conditions:
Loeys-Dietz syndrome 2 (LDS2). Also called: TGFBR2-Related Loeys-Dietz Syndrome; Marfan syndrome, type 2 (formerly); Marfan Syndrome type 2; Marfan like connective tissue disorder; MFS 2; AORTIC ANEURYSM, FAMILIAL THORACIC 3. Identifiers: Orphanet 284973, Orphanet 558, MedGen C2674574, MONDO:0012427, OMIM 610168.
Familial thoracic aortic aneurysm and aortic dissection (TAAD). Also called: Thoracic aortic aneurysms and dissections. Identifiers: Orphanet 91387, MedGen C4707243, MONDO:0019625.

Allele frequency attached by ClinVar (database versions not stated): gnomAD 0.00001; gnomAD exomes 0.00005 and 0.00008; ExAC 0.00012.
gnomAD v4.1: 69 of 1,614,106 alleles (0.0043%); highest among the groups gnomAD compares: Non-Finnish European, 0.0058%; no homozygotes.

Submissions (3):

Labcorp Genetics (formerly Invitae), Labcorp
Classification: Uncertain significance for Familial thoracic aortic aneurysm and aortic dissection. Last evaluated: 2025-04-13. Review status: criteria provided, single submitter. Criteria: Invitae Variant Classification Sherloc (09022015). Collection method: clinical testing. Allele origin: germline.
Comment: This sequence change replaces leucine, which is neutral and non-polar, with methionine, which is neutral and non-polar, at codon 408 of the TGFBR2 protein (p.Leu408Met). This variant is present in population databases (rs770352403, gnomAD 0.02%). This missense change has been observed in individual(s) with craniosynostosis (PMID: 29168297). ClinVar contains an entry for this variant (Variation ID: 863262). Invitae Evidence Modeling incorporating data from in vitro experimental studies (internal data) indicates that this missense variant is not expected to disrupt TGFBR2 function with a negative predictive value of 95%. In summary, the available evidence is currently insufficient to determine the role of this variant in disease. Therefore, it has been classified as a Variant of Uncertain Significance.

Color Diagnostics, LLC DBA Color Health
Classification: Likely benign for Familial thoracic aortic aneurysm and aortic dissection. Last evaluated: 2024-05-13. Review status: criteria provided, single submitter. Criteria: ACMG Guidelines, 2015. Collection method: clinical testing. Allele origin: germline.

All of Us Research Program, National Institutes of Health
Classification: Uncertain significance for Loeys-Dietz syndrome 2. Last evaluated: 2024-02-05. Review status: criteria provided, single submitter. Criteria: ACMG Guidelines, 2015. Collection method: clinical testing. Allele origin: germline. Inheritance: Autosomal dominant inheritance. Observed: 2 variant alleles, 2 heterozygotes.
Comment: This missense variant replaces leucine with methionine at codon 408 of the TGFBR2 protein. Computational prediction suggests that this variant may not impact protein structure and function (internally defined REVEL score threshold <= 0.5, PMID: 27666373). To our knowledge, functional studies have not been reported for this variant. This variant has not been reported in individuals affected with cardiovascular disorders in the literature. This variant has been identified in 20/282154 chromosomes in the general population by the Genome Aggregation Database (gnomAD). The available evidence is insufficient to determine the role of this variant in disease conclusively. Therefore, this variant is classified as a Variant of Uncertain Significance.

This study involves interpretation of variants in research participants for the purpose of population health screening. Participant phenotype was not available at the time of variant classification. Additional details can be found in publication PMID: 35346344, PMCID: PMC8962531

Literature cited by the submitters: PubMed 29168297 (cited by Labcorp Genetics (formerly Invitae), Labcorp).

NM_003242.6(TGFBR2):c.1222C>A (p.Leu408Met)

Gene: TGFBR2 (transforming growth factor beta receptor 2; plus strand). Cytogenetic location: 3p24.1.
Variant type: single nucleotide variant.
Coding change: c.1222C>A on transcript NM_003242.6 (MANE Select); coding-DNA position 1222, C replaced by A.
Protein change: p.Leu408Met; replaces leucine 408 with methionine.
Molecular consequence: missense variant.
Genome position (GRCh38, 1-based): chr3:30,672,405, C>A. VCF-style: chr3-30672405-C-A. GRCh37 (hg19) VCF-style: chr3-30713897-C-A.
Other names: c.1330C>A, p.Leu444Met (NM_001407127.1); c.1249C>A, p.Leu417Met (NM_001407128.1); c.1225C>A, p.Leu409Met (NM_001407129.1); c.1222C>A, p.Leu408Met (NM_001407130.1); c.1117C>A, p.Leu373Met (NM_001407132.1, NM_001407133.1, NM_001407134.1 and 2 more transcripts); c.1297C>A, p.Leu433Met (NM_001024847.3); c.1405C>A, p.Leu469Met (NM_001407126.1); c.937C>A, p.Leu313Met (NM_001407137.1); and 1 more; short protein forms L408M, L433M, L373M, L469M, L409M, L417M, L444M, L288M.
Identifiers: ClinVar variation 863262 (VCV000863262.12), dbSNP rs770352403, ClinGen allele CA045964.